The following is an entry in ClinVar:

ClinVar aggregate classification (germline): Uncertain significance (1 of 4 stars; one submission).

Conditions:
Ullrich congenital muscular dystrophy 2 (UCMD2). Identifiers: Orphanet 75840, MedGen C4225314, MONDO:0014654, OMIM 616470.
Bethlem myopathy 2 (BTHLM2). Identifiers: Orphanet 536516, Orphanet 610, MedGen C4225313, MONDO:0034022, OMIM 616471.

Submission:

Labcorp Genetics (formerly Invitae), Labcorp
Classification: Uncertain significance for Bethlem myopathy 2; Ullrich congenital muscular dystrophy 2. Last evaluated: 2024-07-10. Review status: criteria provided, single submitter. Criteria: Invitae Variant Classification Sherloc (09022015). Collection method: clinical testing. Allele origin: germline.
Comment: This sequence change replaces valine, which is neutral and non-polar, with alanine, which is neutral and non-polar, at codon 1043 of the COL12A1 protein (p.Val1043Ala). This variant is not present in population databases (gnomAD no frequency). This variant has not been reported in the literature in individuals affected with COL12A1-related conditions. Advanced modeling of protein sequence and biophysical properties (such as structural, functional, and spatial information, amino acid conservation, physicochemical variation, residue mobility, and thermodynamic stability) performed at Invitae indicates that this missense variant is not expected to disrupt COL12A1 protein function with a negative predictive value of 80%. In summary, the available evidence is currently insufficient to determine the role of this variant in disease. Therefore, it has been classified as a Variant of Uncertain Significance.

NM_004370.6(COL12A1):c.3128T>C (p.Val1043Ala)

Gene: COL12A1 (collagen type XII alpha 1 chain; minus strand). Cytogenetic location: 6q13.
Variant type: single nucleotide variant.
Coding change: c.3128T>C on transcript NM_004370.6 (MANE Select); coding-DNA position 3128, T replaced by C.
Protein change: p.Val1043Ala; replaces valine 1043 with alanine.
Molecular consequence: missense variant. On other transcripts: intron variant (2).
Genome position (GRCh38, 1-based): chr6:75,156,379, A>G on the plus strand (T>C on the coding strand, the complement: COL12A1 is on the minus strand). VCF-style: chr6-75156379-A-G. GRCh37 (hg19) VCF-style: chr6-75866095-A-G.
Other names: c.3128T>C, p.Val1043Ala (NM_001424113.1, NM_001424114.1); c.2855T>C, p.Val952Ala (NM_001424115.1); c.74-3897T>C (NM_001424116.1, NM_080645.3); short protein forms V1043A, V952A.
Identifiers: ClinVar variation 2934486 (VCV002934486.3), dbSNP rs2149424377, ClinGen allele CA364753969.
Genomic context (GRCh38, chr6:75,156,379, plus strand): 5'-ATGTCATATGTGGTCTGTGGCTGAAGTCGCTTTAACACTGTCGAAGTGACTGTGGGGGGC[A>G]CCTTAGCAACCATTTGCTTCCCTCTCCCATGAGGGCGATAGACAACACGGTAGTTGACGA-3'
Protein context (NP_004361.3, residues 1033-1053): HGRGKQMVAK[Val1043Ala]PPTVTSTVLK